The following is an entry in ClinVar:

NM_007192.4(SUPT16H):c.2592C>G (p.Tyr864Ter)

Gene: SUPT16H (SPT16 homolog, facilitates chromatin remodeling subunit; minus strand). Cytogenetic location: 14q11.2.
Variant type: single nucleotide variant.
Coding change: c.2592C>G on transcript NM_007192.4 (MANE Select); coding-DNA position 2592, C replaced by G.
Protein change: p.Tyr864Ter; replaces tyrosine 864 with a stop codon.
Molecular consequence: nonsense.
Genome position (GRCh38, 1-based): chr14:21,357,265, G>C on the plus strand (C>G on the coding strand, the complement: SUPT16H is on the minus strand). VCF-style: chr14-21357265-G-C. GRCh37 (hg19) VCF-style: chr14-21825424-G-C.
Other names: short protein forms Y864*.
Identifiers: ClinVar variation 4075676 (VCV004075676.1).
Genomic context (GRCh38, chr14:21,357,265, plus strand): 5'-TTCCTTGATGGGGTCAAGAGAGGCTACAGGAATGGCGTTGATCATGGTCACTTTCTTGCT[G>C]TAGTCCTTGTAGACGATTACCATATCAAAGTTCTTCAGGTGAAACTGGACCCGCTCAAAG-3'

ClinVar aggregate classification (germline): Uncertain significance (1 of 4 stars; one submission).

Submission:

GeneDx
Classification: Uncertain significance. Last evaluated: 2025-02-13. Review status: criteria provided, single submitter. Criteria: GeneDx Variant Classification Process June 2021. Collection method: clinical testing. Allele origin: germline. Affected: yes.
Comment: Not observed at significant frequency in large population cohorts (gnomAD); Nonsense variant predicted to result in protein truncation or nonsense mediated decay in a gene or region of a gene for which loss of function is not a well-established mechanism of disease; Has not been previously published as pathogenic or benign to our knowledge